The following is an entry in ClinVar:

NM_003073.5(SMARCB1):c.121G>A (p.Gly41Ser)

Gene: SMARCB1 (SWI/SNF related BAF chromatin remodeling complex subunit B1; plus strand). Cytogenetic location: 22q11.23.
Variant type: single nucleotide variant.
Coding change: c.121G>A on transcript NM_003073.5 (MANE Select); coding-DNA position 121, G replaced by A.
Protein change: p.Gly41Ser; replaces glycine 41 with serine.
Molecular consequence: missense variant.
Genome position (GRCh38, 1-based): chr22:23,791,783, G>A. VCF-style: chr22-23791783-G-A. GRCh37 (hg19) VCF-style: chr22-24133970-G-A.
Other names: c.121G>A, p.Gly41Ser (NM_001007468.3, NM_001317946.2, NM_001362877.2); short protein forms G41S.
Identifiers: ClinVar variation 3667268 (VCV003667268.2).

ClinVar aggregate classification (germline): Uncertain significance (1 of 4 stars; one submission).

Submission:

Labcorp Genetics (formerly Invitae), Labcorp
Classification: Uncertain significance. Last evaluated: 2024-09-09. Review status: criteria provided, single submitter. Criteria: Invitae Variant Classification Sherloc (09022015). Collection method: clinical testing. Allele origin: germline.
Comment: This sequence change replaces glycine, which is neutral and non-polar, with serine, which is neutral and polar, at codon 41 of the SMARCB1 protein (p.Gly41Ser). This variant is not present in population databases (gnomAD no frequency). This variant has not been reported in the literature in individuals affected with SMARCB1-related conditions. An algorithm developed to predict the effect of missense changes on protein structure and function (PolyPhen-2) suggests that this variant is likely to be disruptive. In summary, the available evidence is currently insufficient to determine the role of this variant in disease. Therefore, it has been classified as a Variant of Uncertain Significance.